The following is an entry in ClinVar:

ClinVar aggregate classification (germline): Pathogenic (1 of 4 stars; one submission).

Conditions:
Metachromatic leukodystrophy (MLD). Also called: ARSA DEFICIENCY; CEREBROSIDE SULFATASE DEFICIENCY; Cerebral sclerosis diffuse metachromatic form; Arylsulfatase A Deficiency; METACHROMATIC LEUKOENCEPHALOPATHY; SULFATIDE LIPIDOSIS. Identifiers: Orphanet 512, MedGen C0023522, MONDO:0018868, OMIM 250100.

Submission:

Labcorp Genetics (formerly Invitae), Labcorp
Classification: Pathogenic for Metachromatic leukodystrophy. Last evaluated: 2022-04-18. Review status: criteria provided, single submitter. Criteria: Invitae Variant Classification Sherloc (09022015). Collection method: clinical testing. Allele origin: germline.
Comment: For these reasons, this variant has been classified as Pathogenic. This variant has not been reported in the literature in individuals affected with ARSA-related conditions. This variant is not present in population databases (gnomAD no frequency). This sequence change creates a premature translational stop signal (p.Phe221Alafs*59) in the ARSA gene. It is expected to result in an absent or disrupted protein product. Loss-of-function variants in ARSA are known to be pathogenic (PMID: 8962139, 10477432).

Literature cited by the submitters: PubMed 8962139; PubMed 10477432.

NM_000487.6(ARSA):c.645_660dup (p.Phe221fs)

Gene: ARSA (arylsulfatase A; minus strand). Cytogenetic location: 22q13.33.
Variant type: Duplication.
Coding change: c.645_660dup on transcript NM_000487.6 (MANE Select); coding-DNA positions 645 to 660, 16 bases duplicated (GCGCCAGGATCGCCCC).
Protein change: p.Phe221fs; shifts the reading frame from phenylalanine 221.
Molecular consequence: frameshift variant.
Genome position (GRCh38, 1-based): chr22:50,626,858-50,626,873, GGGGCGATCCTGGCGC duplicated on the plus strand (GCGCCAGGATCGCCCC on the coding strand, the reverse complement: ARSA is on the minus strand). VCF-style (leftmost placement, unchanged base first): chr22-50626857-A-AGGGGCGATCCTGGCGC. GRCh37 (hg19) VCF-style: chr22-51065285-A-AGGGGCGATCCTGGCGC.
Other names: c.645_660dup, p.Phe221fs (NM_001085425.3, NM_001085426.3, NM_001085427.3); c.387_402dup, p.Phe135fs (NM_001085428.3, NM_001362782.2); short protein forms F135fs, F221fs.
Identifiers: ClinVar variation 2127865 (VCV002127865.4), dbSNP rs2518330963, ClinGen allele CA2580099965.